The following is an entry in ClinVar:

ClinVar aggregate classification (germline): Likely benign. Review status: criteria provided, single submitter (1 of 4 stars). 2 submissions from 2 submitters: Likely benign (1). 1 of the submissions does not count toward it. Last evaluated 2025-06-03.

Conditions:
PCNT-related disorder. Also called: PCNT-related condition.

Allele frequency attached by ClinVar (database versions not stated): TOPMed below 0.00001; gnomAD exomes 0.00001.
gnomAD v4.1: 3 of 1,613,868 alleles (0.00019%); highest among the groups gnomAD compares: Non-Finnish European, 0.00025%; no homozygotes.

Submissions (2):

Labcorp Genetics (formerly Invitae), Labcorp
Classification: Likely benign. Last evaluated: 2025-06-03. Review status: criteria provided, single submitter. Criteria: Invitae Variant Classification Sherloc (09022015). Collection method: clinical testing. Allele origin: germline.

PreventionGenetics, part of Exact Sciences
Classification: Likely benign for PCNT-related condition. Last evaluated: 2021-07-02. Review status: no assertion criteria provided. Collection method: clinical testing. Allele origin: germline. Not counted in ClinVar's aggregate classification.
Comment: This variant is classified as likely benign based on ACMG/AMP sequence variant interpretation guidelines (Richards et al. 2015 PMID: 25741868, with internal and published modifications).

NM_006031.6(PCNT):c.268-8C>G

Gene: PCNT (pericentrin; plus strand). Cytogenetic location: 21q22.3.
Variant type: single nucleotide variant.
Coding change: c.268-8C>G on transcript NM_006031.6 (MANE Select); 8 bases into the intron before coding-DNA position 268, C replaced by G.
Molecular consequence: intron variant.
Genome position (GRCh38, 1-based): chr21:46,334,389, C>G. VCF-style: chr21-46334389-C-G. GRCh37 (hg19) VCF-style: chr21-47754303-C-G.
Other names: c.268-8C>G (NM_006031.5); c.-87-8C>G (NM_001315529.2).
Identifiers: ClinVar variation 2917744 (VCV002917744.4), dbSNP rs2083661824, ClinGen allele CA2392622351.